The following is an entry in ClinVar:

ClinVar aggregate classification (germline): Likely benign (1 of 4 stars; one submission).

Allele frequency attached by ClinVar (database versions not stated): ExAC 0.00070; TOPMed 0.00073; gnomAD 0.00076; gnomAD exomes 0.00108; ESP Exome Variant Server 0.00138.
gnomAD v4.1: 1,696 of 1,613,938 alleles (0.11%); highest among the groups gnomAD compares: Non-Finnish European, 0.12%; 2 homozygotes.

Submission:

CeGaT Center for Human Genetics Tuebingen
Classification: Likely benign. Last evaluated: 2022-07-01. Review status: criteria provided, single submitter. Criteria: CeGaT Center For Human Genetics Tuebingen Variant Classification Criteria Version 2. Collection method: clinical testing. Allele origin: germline. Affected: yes. Observed: 1 variant allele.
Comment: PATJ: BP4, BP7

NM_001350145.3(PATJ):c.2145G>T (p.Val715=)

Gene: PATJ (PATJ crumbs cell polarity complex component; plus strand). Cytogenetic location: 1p31.3.
Variant type: single nucleotide variant.
Coding change: c.2145G>T on transcript NM_001350145.3 (MANE Select); coding-DNA position 2145, G replaced by T.
Protein change: p.Val715=; no amino-acid change (valine 715 retained).
Molecular consequence: synonymous variant.
Genome position (GRCh38, 1-based): chr1:61,856,062, G>T. VCF-style: chr1-61856062-G-T. GRCh37 (hg19) VCF-style: chr1-62321734-G-T.
Other names: c.2145G>T, p.Val715= (NM_170605.2, NM_176877.5).
Identifiers: ClinVar variation 2638857 (VCV002638857.24), dbSNP rs41289422, ClinGen allele CA882258.
Genomic context (GRCh38, chr1:61,856,062, plus strand): 5'-TCATCCTTCTTCTTTGCTCGATTCACAGGACCCTTTAGATCCTACAAGATCAGTGATTGT[G>T]ATCCGCTCCCTGGTAGCAGATGGTGTAGCAGAAAGAAGTGGGGGACTATTACCTGGAGAC-3'
Protein context (NP_001337074.2, residues 705-725): DPLDPTRSVI[Val715=]IRSLVADGVA